The following is an entry in ClinVar:

ClinVar aggregate classification (germline): Uncertain significance. Review status: criteria provided, multiple submitters, no conflicts (2 of 4 stars). 2 submissions from 2 submitters: Uncertain significance (2). Last evaluated 2025-08-20.

Conditions:
Inborn genetic diseases. Identifiers: MedGen C0950123, MeSH D030342.

gnomAD v4.1: 13 of 1,613,986 alleles (0.00081%); highest among the groups gnomAD compares: Admixed American, 0.005%; no homozygotes.

Submissions (2):

Ambry Genetics
Classification: Uncertain significance for Inborn genetic diseases. Last evaluated: 2025-08-20. Review status: criteria provided, single submitter. Criteria: Ambry Variant Classification Scheme 2023. Collection method: clinical testing. Allele origin: germline.

Labcorp Genetics (formerly Invitae), Labcorp
Classification: Uncertain significance. Last evaluated: 2021-10-11. Review status: criteria provided, single submitter. Criteria: Invitae Variant Classification Sherloc (09022015). Collection method: clinical testing. Allele origin: germline.
Comment: This sequence change replaces glycine with serine at codon 712 of the OTOA protein (p.Gly712Ser). The glycine residue is weakly conserved and there is a small physicochemical difference between glycine and serine. This variant is not present in population databases (ExAC no frequency). This variant has not been reported in the literature in individuals affected with OTOA-related conditions. Algorithms developed to predict the effect of missense changes on protein structure and function output the following: SIFT: "Tolerated"; PolyPhen-2: "Benign"; Align-GVGD: "Class C0". The serine amino acid residue is found in multiple mammalian species, which suggests that this missense change does not adversely affect protein function. Algorithms developed to predict the effect of sequence changes on RNA splicing suggest that this variant may create or strengthen a splice site. In summary, the available evidence is currently insufficient to determine the role of this variant in disease. Therefore, it has been classified as a Variant of Uncertain Significance.

NM_144672.4(OTOA):c.2134G>A (p.Gly712Ser)

Gene: OTOA (otoancorin). Cytogenetic location: 16p12.2.
Variant type: single nucleotide variant.
Coding change: c.2134G>A on transcript NM_144672.4 (MANE Select); coding-DNA position 2134, G replaced by A.
Protein change: p.Gly712Ser; replaces glycine 712 with serine.
Molecular consequence: missense variant.
Genome position (GRCh38, 1-based): chr16:21,728,358, G>A. VCF-style: chr16-21728358-G-A. GRCh37 (hg19) VCF-style: chr16-21739679-G-A.
Other names: c.2134G>A (NM_144672.3); c.1897G>A, p.Gly633Ser (NM_001161683.2); c.1162G>A, p.Gly388Ser (NM_170664.3); short protein forms G388S, G712S, G633S.
Identifiers: ClinVar variation 1448989 (VCV001448989.4), dbSNP rs866105290, ClinGen allele CA279390918.